The following is an entry in ClinVar:

ClinVar aggregate classification (germline): Uncertain significance (1 of 4 stars; one submission).

Allele frequency attached by ClinVar (database versions not stated): ExAC 0.00001; gnomAD exomes 0.00001; ESP Exome Variant Server 0.00008.
gnomAD v4.1: 8 of 1,604,582 alleles (0.0005%); highest among the groups gnomAD compares: Admixed American, 0.0033%; no homozygotes.

Submission:

Labcorp Genetics (formerly Invitae), Labcorp
Classification: Uncertain significance. Last evaluated: 2022-11-15. Review status: criteria provided, single submitter. Criteria: Invitae Variant Classification Sherloc (09022015). Collection method: clinical testing. Allele origin: germline.
Comment: Algorithms developed to predict the effect of sequence changes on RNA splicing suggest that this variant may create or strengthen a splice site. This sequence change replaces serine, which is neutral and polar, with arginine, which is basic and polar, at codon 519 of the GRM6 protein (p.Ser519Arg). This variant is present in population databases (rs372605108, gnomAD 0.007%). This variant has not been reported in the literature in individuals affected with GRM6-related conditions. Algorithms developed to predict the effect of missense changes on protein structure and function (SIFT, PolyPhen-2, Align-GVGD) all suggest that this variant is likely to be disruptive. In summary, the available evidence is currently insufficient to determine the role of this variant in disease. Therefore, it has been classified as a Variant of Uncertain Significance.

NM_000843.4(GRM6):c.1557C>G (p.Ser519Arg)

Genes: GRM6 (glutamate metabotropic receptor 6; minus strand), ZNF454 (zinc finger protein 454; plus strand). Cytogenetic location: 5q35.3.
Variant type: single nucleotide variant.
Coding change: c.1557C>G on transcript NM_000843.4 (MANE Select); coding-DNA position 1557, C replaced by G.
Protein change: p.Ser519Arg; replaces serine 519 with arginine.
Molecular consequence: missense variant.
Genome position (GRCh38, 1-based): chr5:178,986,697, G>C on the plus strand (C>G on the coding strand, the complement: GRM6 is on the minus strand). VCF-style: chr5-178986697-G-C. GRCh37 (hg19) VCF-style: chr5-178413698-G-C.
Other names: short protein forms S519R.
Identifiers: ClinVar variation 1946126 (VCV001946126.5), dbSNP rs372605108, ClinGen allele CA3593998.
Genomic context (GRCh38, chr5:178,986,697, plus strand): 5'-GTGCCAACAGCAGGGGACGCCCTTCACCATCTTCTTCCGCTCCCCCGGCCCGCAGGGCAG[G>C]CTGCACAGAGACGAGGGCACCTCGTGGGGGTCGCCAGACCACTGCAGGGCCTCCACCTGG-3'
Protein context (NP_000834.2, residues 509-529): DPHEVPSSLC[Ser519Arg]LPCGPGERKK